The following is an entry in ClinVar:

NM_001379200.1(TBX1):c.638C>T (p.Ala213Val)

Gene: TBX1 (T-box transcription factor 1; plus strand). Cytogenetic location: 22q11.21.
Variant type: single nucleotide variant.
Coding change: c.638C>T on transcript NM_001379200.1 (MANE Select); coding-DNA position 638, C replaced by T.
Protein change: p.Ala213Val; replaces alanine 213 with valine.
Molecular consequence: missense variant.
Genome position (GRCh38, 1-based): chr22:19,764,253, C>T. VCF-style: chr22-19764253-C-T. GRCh37 (hg19) VCF-style: chr22-19751776-C-T.
Other names: c.611C>T, p.Ala204Val (NM_005992.1, NM_080646.2, NM_080647.1); short protein forms A213V, A204V.
Identifiers: ClinVar variation 3020052 (VCV003020052.3), dbSNP rs774388985, ClinGen allele CA10102509.

ClinVar aggregate classification (germline): Uncertain significance (1 of 4 stars; one submission).

Conditions:
DiGeorge syndrome. Also called: Catch22; THIRD AND FOURTH PHARYNGEAL POUCH SYNDROME. Identifiers: Orphanet 567, MedGen C0012236, MONDO:0008564, OMIM 188400.

Allele frequency attached by ClinVar (database versions not stated): gnomAD exomes 0.00001; TOPMed 0.00002; ExAC 0.00003; gnomAD 0.00003.
gnomAD v4.1: 19 of 1,613,314 alleles (0.0012%); highest among the groups gnomAD compares: African/African-American, 0.0053%; no homozygotes.

Submission:

Labcorp Genetics (formerly Invitae), Labcorp
Classification: Uncertain significance for DiGeorge syndrome. Last evaluated: 2023-03-06. Review status: criteria provided, single submitter. Criteria: Invitae Variant Classification Sherloc (09022015). Collection method: clinical testing. Allele origin: germline.
Comment: This sequence change replaces alanine, which is neutral and non-polar, with valine, which is neutral and non-polar, at codon 204 of the TBX1 protein (p.Ala204Val). This variant is present in population databases (rs774388985, gnomAD 0.004%). This variant has not been reported in the literature in individuals affected with TBX1-related conditions. Advanced modeling of protein sequence and biophysical properties (such as structural, functional, and spatial information, amino acid conservation, physicochemical variation, residue mobility, and thermodynamic stability) performed at Invitae indicates that this missense variant is not expected to disrupt TBX1 protein function. In summary, the available evidence is currently insufficient to determine the role of this variant in disease. Therefore, it has been classified as a Variant of Uncertain Significance.